The following is an entry in ClinVar:

ClinVar aggregate classification (germline): Uncertain significance. Review status: criteria provided, multiple submitters, no conflicts (2 of 4 stars). 2 submissions from 2 submitters: Uncertain significance (2). Last evaluated 2023-04-14.

Conditions:
Ataxia-telangiectasia syndrome (AT). Also called: Ataxia-telangiectasia; LOUIS-BAR SYNDROME; Ataxia-telangiectasia, complementation group D; AT, COMPLEMENTATION GROUP C; ATAXIA-TELANGIECTASIA, COMPLEMENTATION GROUP A; ATAXIA-TELANGIECTASIA, FRESNO VARIANT. Identifiers: Orphanet 100, MedGen C0004135, MONDO:0008840, OMIM 208900.
Hereditary cancer-predisposing syndrome. Also called: Tumor predisposition; Neoplastic Syndromes, Hereditary; Hereditary Cancer Syndrome; Hereditary neoplastic syndrome. Identifiers: Orphanet 140162, MedGen C0027672, MeSH D009386, MONDO:0015356.

Submissions (2):

Labcorp Genetics (formerly Invitae), Labcorp
Classification: Uncertain significance for Ataxia-telangiectasia syndrome. Last evaluated: 2023-04-14. Review status: criteria provided, single submitter. Criteria: Invitae Variant Classification Sherloc (09022015). Collection method: clinical testing. Allele origin: germline.
Comment: In summary, the available evidence is currently insufficient to determine the role of this variant in disease. Therefore, it has been classified as a Variant of Uncertain Significance. An algorithm developed to predict the effect of missense changes on protein structure and function (PolyPhen-2) suggests that this variant is likely to be disruptive. ClinVar contains an entry for this variant (Variation ID: 1393413). This variant has not been reported in the literature in individuals affected with ATM-related conditions. This variant is not present in population databases (gnomAD no frequency). This sequence change replaces asparagine, which is neutral and polar, with serine, which is neutral and polar, at codon 2697 of the ATM protein (p.Asn2697Ser).

Ambry Genetics
Classification: Uncertain significance for Hereditary cancer-predisposing syndrome. Last evaluated: 2023-02-03. Review status: criteria provided, single submitter. Criteria: Ambry Variant Classification Scheme 2023. Collection method: clinical testing. Allele origin: germline.
Comment: The p.N2697S variant (also known as c.8090A>G), located in coding exon 54 of the ATM gene, results from an A to G substitution at nucleotide position 8090. The asparagine at codon 2697 is replaced by serine, an amino acid with highly similar properties. This amino acid position is conserved. In addition, the in silico prediction for this alteration is inconclusive. Since supporting evidence is limited at this time, the clinical significance of this alteration remains unclear.

NM_000051.4(ATM):c.8090A>G (p.Asn2697Ser)

Genes: ATM (ATM serine/threonine kinase; plus strand), C11orf65 (chromosome 11 open reading frame 65; minus strand). Cytogenetic location: 11q22.3.
Variant type: single nucleotide variant.
Coding change: c.8090A>G on transcript NM_000051.4 (MANE Select); coding-DNA position 8090, A replaced by G.
Protein change: p.Asn2697Ser; replaces asparagine 2697 with serine.
Molecular consequence: missense variant. On other transcripts: intron variant (2).
Genome position (GRCh38, 1-based): chr11:108,335,048, A>G. VCF-style: chr11-108335048-A-G. GRCh37 (hg19) VCF-style: chr11-108205775-A-G.
Other names: c.8090A>G, p.Asn2697Ser (NM_001351834.2); c.641-25977T>C (NM_001330368.2); c.*38+172T>C (NM_001351110.2); short protein forms N2697S.
Identifiers: ClinVar variation 1393413 (VCV001393413.9), dbSNP rs2136660129, ClinGen allele CA382562063.
Genomic context (GRCh38, chr11:108,335,048, plus strand): 5'-ATGGAAATCTGGTGACTATACAGTCATTTAAAGCAGAATTTCGCTTAGCAGGAGGTGTAA[A>G]TTTACCAAAAATAATAGATTGTGTAGGTTCCGATGGCAAGGAGAGGAGACAGCTTGTTAA-3'
Protein context (NP_000042.3, residues 2687-2707): KAEFRLAGGV[Asn2697Ser]LPKIIDCVGS